The following is an entry in ClinVar:

NM_002439.5(MSH3):c.909+3C>G

Gene: MSH3 (mutS homolog 3; plus strand). Cytogenetic location: 5q14.1.
Variant type: single nucleotide variant.
Coding change: c.909+3C>G on transcript NM_002439.5 (MANE Select); 3 bases into the intron after coding-DNA position 909, C replaced by G.
Molecular consequence: intron variant.
Genome position (GRCh38, 1-based): chr5:80,672,363, C>G. VCF-style: chr5-80672363-C-G. GRCh37 (hg19) VCF-style: chr5-79968182-C-G.
Identifiers: ClinVar variation 4860319 (VCV004860319.1).

ClinVar aggregate classification (germline): Uncertain significance (1 of 4 stars; one submission).

Conditions:
Hereditary cancer-predisposing syndrome. Also called: Neoplastic Syndromes, Hereditary; Tumor predisposition; Hereditary Cancer Syndrome; Hereditary neoplastic syndrome. Identifiers: Orphanet 140162, MedGen C0027672, MeSH D009386, MONDO:0015356.

Submission:

Ambry Genetics
Classification: Uncertain significance for Hereditary cancer-predisposing syndrome. Last evaluated: 2026-06-11. Review status: criteria provided, single submitter. Criteria: Ambry Variant Classification Scheme 2023. Collection method: clinical testing. Allele origin: germline.
Comment: The c.909+3C>G intronic variant results from a C to G substitution 3 nucleotides after coding exon 5 in the MSH3 gene. This nucleotide position is well conserved in available vertebrate species. In silico splice site analysis predicts that this alteration will not have any significant effect on splicing. Based on the available evidence, the clinical significance of this variant remains unclear.